The following is an entry in ClinVar:

ClinVar aggregate classification (germline): Uncertain significance (1 of 4 stars; one submission).

Conditions:
Frontotemporal dementia and/or amyotrophic lateral sclerosis 1 (FTDALS1). Also called: C9orf72 Frontotemporal Dementia and/or Amyotrophic Lateral Sclerosis; Frontotemporal dementia with motor neuron disease 1. Identifiers: Orphanet 275872, MedGen C5779877, MONDO:0007105, OMIM 105550.
Paget disease of bone 2, early-onset (PDB2). Also called: Paget disease of bone 2. Identifiers: MedGen C4085251, MONDO:0011183, OMIM 602080.

Submission:

Labcorp Genetics (formerly Invitae), Labcorp
Classification: Uncertain significance for Paget disease of bone 2, early-onset; Frontotemporal dementia and/or amyotrophic lateral sclerosis 1. Last evaluated: 2024-09-21. Review status: criteria provided, single submitter. Criteria: Invitae Variant Classification Sherloc (09022015). Collection method: clinical testing. Allele origin: germline.
Comment: This sequence change falls in intron 2 of the SQSTM1 gene. It does not directly change the encoded amino acid sequence of the SQSTM1 protein. Information on the frequency of this variant in the gnomAD database is not available, as this variant may be reported differently in the database. This variant has not been reported in the literature in individuals affected with SQSTM1-related conditions. Experimental studies and prediction algorithms are not available or were not evaluated, and the effect of this variant on mRNA splicing is currently unknown. In summary, the available evidence is currently insufficient to determine the role of this variant in disease. Therefore, it has been classified as a Variant of Uncertain Significance.

NM_003900.5(SQSTM1):c.301+11_301+12delinsCT

Gene: SQSTM1 (sequestosome 1; plus strand). Cytogenetic location: 5q35.3.
Variant type: Indel.
Coding change: c.301+11_301+12delinsCT on transcript NM_003900.5 (MANE Select); bases 11 to 12 of the intron after coding-DNA position 301, GC replaced by CT.
Molecular consequence: intron variant.
Genome position (GRCh38, 1-based): chr5:179,823,064-179,823,065, GC replaced by CT. VCF-style: chr5-179823064-GC-CT. GRCh37 (hg19) VCF-style: chr5-179250064-GC-CT.
Other names: c.49+11_49+12delinsCT (NM_001142298.2, NM_001142299.2).
Identifiers: ClinVar variation 3763787 (VCV003763787.2).